The following is an entry in ClinVar:

ClinVar aggregate classification (germline): Uncertain significance (1 of 4 stars; one submission).

Submission:

GeneDx
Classification: Uncertain significance. Last evaluated: 2025-04-10. Review status: criteria provided, single submitter. Criteria: GeneDx Variant Classification Process June 2021. Collection method: clinical testing. Allele origin: germline. Affected: yes.
Comment: Not observed at significant frequency in large population cohorts (gnomAD); In silico analysis supports that this missense variant has a deleterious effect on protein structure/function; Has not been previously published as pathogenic or benign to our knowledge

NM_001081550.2(THOC2):c.3805A>T (p.Asn1269Tyr)

Gene: THOC2 (THO complex subunit 2; minus strand). Cytogenetic location: Xq25.
Variant type: single nucleotide variant.
Coding change: c.3805A>T on transcript NM_001081550.2 (MANE Select); coding-DNA position 3805, A replaced by T.
Protein change: p.Asn1269Tyr; replaces asparagine 1269 with tyrosine.
Molecular consequence: missense variant.
Genome position (GRCh38, 1-based): chrX:123,621,568, T>A on the plus strand (A>T on the coding strand, the complement: THOC2 is on the minus strand). VCF-style: chrX-123621568-T-A. GRCh37 (hg19) VCF-style: chrX-122755419-T-A.
Other names: c.3805A>T, p.Asn1269Tyr (NM_001441235.1, NM_001441236.1); short protein forms N1269Y.
Identifiers: ClinVar variation 4282033 (VCV004282033.1).